The following is an entry in ClinVar:

NM_006516.4(SLC2A1):c.817C>T (p.Leu273Phe)

Gene: SLC2A1 (solute carrier family 2 member 1; minus strand). Cytogenetic location: 1p34.2.
Variant type: single nucleotide variant.
Coding change: c.817C>T on transcript NM_006516.4 (MANE Select); coding-DNA position 817, C replaced by T.
Protein change: p.Leu273Phe; replaces leucine 273 with phenylalanine.
Molecular consequence: missense variant.
Genome position (GRCh38, 1-based): chr1:42,929,643, G>A on the plus strand (C>T on the coding strand, the complement: SLC2A1 is on the minus strand). VCF-style: chr1-42929643-G-A. GRCh37 (hg19) VCF-style: chr1-43395314-G-A.
Other names: short protein forms L273F.
Identifiers: ClinVar variation 2418667 (VCV002418667.6), dbSNP rs2524992056, ClinGen allele CA339957438.

ClinVar aggregate classification (germline): Uncertain significance (1 of 4 stars; one submission).

Conditions:
GLUT1 deficiency syndrome 1, autosomal recessive. Identifiers: MedGen C3149117.

Submission:

Labcorp Genetics (formerly Invitae), Labcorp
Classification: Uncertain significance for GLUT1 deficiency syndrome 1, autosomal recessive. Last evaluated: 2022-02-22. Review status: criteria provided, single submitter. Criteria: Invitae Variant Classification Sherloc (09022015). Collection method: clinical testing. Allele origin: germline.
Comment: This sequence change replaces leucine, which is neutral and non-polar, with phenylalanine, which is neutral and non-polar, at codon 273 of the SLC2A1 protein (p.Leu273Phe). This variant is not present in population databases (gnomAD no frequency). This variant has not been reported in the literature in individuals affected with SLC2A1-related conditions. Advanced modeling of protein sequence and biophysical properties (such as structural, functional, and spatial information, amino acid conservation, physicochemical variation, residue mobility, and thermodynamic stability) performed at Invitae indicates that this missense variant is not expected to disrupt SLC2A1 protein function. In summary, the available evidence is currently insufficient to determine the role of this variant in disease. Therefore, it has been classified as a Variant of Uncertain Significance.